The following is an entry in ClinVar:

NM_000088.4(COL1A1):c.423del (p.Gly142fs)

Gene: COL1A1 (collagen type I alpha 1 chain; minus strand). Cytogenetic location: 17q21.33.
Variant type: Deletion.
Coding change: c.423del on transcript NM_000088.4 (MANE Select); coding-DNA position 423, one base deleted (C; older notation c.423delC).
Protein change: p.Gly142fs; shifts the reading frame from glycine 142.
Molecular consequence: frameshift variant.
Genome position (GRCh38, 1-based): chr17:50,199,274, G deleted on the plus strand (C on the coding strand, the reverse complement: COL1A1 is on the minus strand); the first of 3 consecutive G bases (chr17:50,199,274-50,199,276); deleting any one gives the same sequence. VCF-style (leftmost placement, unchanged base first): chr17-50199273-CG-C. GRCh37 (hg19) VCF-style: chr17-48276634-CG-C.
Other names: short protein forms G142fs.
Identifiers: ClinVar variation 2444032 (VCV002444032.1), dbSNP rs2509253688, ClinGen allele CA2580094384.

ClinVar aggregate classification (germline): Pathogenic (1 of 4 stars; one submission).

Conditions:
Osteogenesis imperfecta with normal sclerae, dominant form (OI4). Also called: OSTEOGENESIS IMPERFECTA, TYPE IV, WITH DENTINOGENESIS IMPERFECTA; OSTEOGENESIS IMPERFECTA WITH NORMAL SCLERAE; Osteogenesis Imperfecta Type IV; Osteogenesis imperfecta type 4; Common Variable Osteogenesis Imperfecta with Normal Sclerae. Identifiers: Orphanet 216820, Orphanet 666, MedGen C0268363, MONDO:0008148, OMIM 166220.

Submission:

3billion
Classification: Pathogenic for Osteogenesis imperfecta with normal sclerae, dominant form. Last evaluated: 2023-02-23. Review status: criteria provided, single submitter. Criteria: ACMG Guidelines, 2015. Collection method: clinical testing. Allele origin: unknown. Affected: yes.
Comment: The variant is not observed in the gnomAD v2.1.1 dataset. This variant was predicted to result in a loss or disruption of normal protein function through nonsense-mediated decay (NMD) or protein truncation. Multiple pathogenic variants are reported downstream of the variant. The variant has been reported to be associated with COL1A1 -related disorder (PMID: 21488280). Therefore, this variant is classified as Pathogenic according to the recommendation of ACMG/AMP guideline.

Literature cited by the submitters: PubMed 21488280.